The following is an entry in ClinVar:

NM_006904.7(PRKDC):c.29G>T (p.Cys10Phe)

Genes: PRKDC (protein kinase, DNA-activated, catalytic subunit; minus strand), LOC129929030 (ATAC-STARR-seq lymphoblastoid silent region 19177; plus strand). Cytogenetic location: 8q11.21.
Variant type: single nucleotide variant.
Coding change: c.29G>T on transcript NM_006904.7 (MANE Select); coding-DNA position 29, G replaced by T.
Protein change: p.Cys10Phe; replaces cysteine 10 with phenylalanine.
Molecular consequence: missense variant.
Genome position (GRCh38, 1-based): chr8:47,960,098, C>A on the plus strand (G>T on the coding strand, the complement: PRKDC is on the minus strand). VCF-style: chr8-47960098-C-A. GRCh37 (hg19) VCF-style: chr8-48872658-C-A.
Other names: c.29G>T, p.Cys10Phe (NM_001081640.2); short protein forms C10F.
Identifiers: ClinVar variation 2626345 (VCV002626345.2), dbSNP rs2551882753, ClinGen allele CA371143074.

ClinVar aggregate classification (germline): Uncertain significance (1 of 4 stars; one submission).

Submission:

Ambry Genetics
Classification: Uncertain significance. Last evaluated: 2023-07-27. Review status: criteria provided, single submitter. Criteria: Ambry Variant Classification Scheme 2023. Collection method: clinical testing. Allele origin: germline.
Comment: The p.C10F variant (also known as c.29G>T), located in coding exon 1 of the PRKDC gene, results from a G to T substitution at nucleotide position 29. The cysteine at codon 10 is replaced by phenylalanine, an amino acid with highly dissimilar properties. This amino acid position is conserved. In addition, this alteration is predicted to be tolerated by in silico analysis. Since supporting evidence is limited at this time, the clinical significance of this alteration remains unclear.